The following is an entry in ClinVar:

ClinVar aggregate classification (germline): Uncertain significance (1 of 4 stars; one submission).

Submission:

Ambry Genetics
Classification: Uncertain significance. Last evaluated: 2024-07-17. Review status: criteria provided, single submitter. Criteria: Ambry Variant Classification Scheme 2023. Collection method: clinical testing. Allele origin: germline.
Comment: The p.T444A variant (also known as c.1330A>G), located in coding exon 3 of the ALPK2 gene, results from an A to G substitution at nucleotide position 1330. The threonine at codon 444 is replaced by alanine, an amino acid with similar properties. This amino acid position is conserved. In addition, this alteration is predicted to be tolerated by in silico analysis. Based on the available evidence, the clinical significance of this variant remains unclear.

NM_052947.4(ALPK2):c.1330A>G (p.Thr444Ala)

Gene: ALPK2 (alpha kinase 2; minus strand). Cytogenetic location: 18q21.31.
Variant type: single nucleotide variant.
Coding change: c.1330A>G on transcript NM_052947.4 (MANE Select); coding-DNA position 1330, A replaced by G.
Protein change: p.Thr444Ala; replaces threonine 444 with alanine.
Molecular consequence: missense variant.
Genome position (GRCh38, 1-based): chr18:58,579,446, T>C on the plus strand (A>G on the coding strand, the complement: ALPK2 is on the minus strand). VCF-style: chr18-58579446-T-C. GRCh37 (hg19) VCF-style: chr18-56246678-T-C.
Other names: short protein forms T444A.
Identifiers: ClinVar variation 3530818 (VCV003530818.1).